The following is an entry in ClinVar:

NM_002693.3(POLG):c.3104+50C>T

Gene: POLG (DNA polymerase gamma, catalytic subunit; minus strand). Cytogenetic location: 15q26.1.
Variant type: single nucleotide variant.
Coding change: c.3104+50C>T on transcript NM_002693.3 (MANE Select); 50 bases into the intron after coding-DNA position 3104, C replaced by T.
Molecular consequence: intron variant.
Genome position (GRCh38, 1-based): chr15:89,319,178, G>A on the plus strand (C>T on the coding strand, the complement: POLG is on the minus strand). VCF-style: chr15-89319178-G-A. GRCh37 (hg19) VCF-style: chr15-89862409-G-A.
Other names: c.3104+50C>T (NM_001126131.2).
Identifiers: ClinVar variation 619478 (VCV000619478.1), dbSNP rs370764907, ClinGen allele CA7724246.

ClinVar aggregate classification (germline): Likely benign (1 of 4 stars; one submission).

Conditions:
Progressive sclerosing poliodystrophy (MTDPS4A). Also called: Alpers-Huttenlocher Syndrome (AHS); Alpers Syndrome; ALPERS PROGRESSIVE INFANTILE POLIODYSTROPHY; Mitochondrial DNA depletion syndrome 4A (Alpers type); ALPERS DIFFUSE DEGENERATION OF CEREBRAL GRAY MATTER WITH HEPATIC CIRRHOSIS; Alpers-Huttenlocher Syndrome. Identifiers: Orphanet 726, MedGen C0205710, MONDO:0008758, OMIM 203700.

Allele frequency attached by ClinVar (database versions not stated): ExAC 0.00001; gnomAD exomes 0.00009; ESP Exome Variant Server 0.00015; gnomAD 0.00015 and 0.00016; TOPMed 0.00017.

Submission:

Wong Mito Lab, Molecular and Human Genetics, Baylor College of Medicine
Classification: Likely benign for Progressive sclerosing poliodystrophy. Last evaluated: 2018-10-01. Review status: criteria provided, single submitter. Criteria: ACMG Guidelines, 2015. Collection method: clinical testing. Allele origin: germline.
Comment: The NM_002693.2:c.3104+50C>T (NP_002684.1:p.=) [GRCH38: NC_000015.10:g.89319178G>A] variant in POLG gene is interpretated to be a Likely Benign based on ACMG guidelines (PMID: 25741868). This variant meets the following evidence codes reported in the ACMG-guideline. BS1:The minor allele frequency of this allele is high for Mitochondrial DNA depletion syndrome 4A (Alpers type). BP4:Computational evidence/predictors indicate no impact on the POLG structure, function, or protein-protein interaction. BP6:Reputable source(s) without shared data suggest the variant is benign. Based on the evidence criteria codes applied, the variant is suggested to be Likely Benign.